The following is an entry in ClinVar:

ClinVar aggregate classification (germline): Uncertain significance (1 of 4 stars; one submission).

Conditions:
Congenital muscular hypertrophy-cerebral syndrome (CDLS2). Also called: SMC1A-Related Cornelia de Lange Syndrome; Cornelia de Lange syndrome 2. Identifiers: Orphanet 199, MedGen C1802395, MONDO:0010370, OMIM 300590.

gnomAD v4.1: 1 of 1,195,378 alleles (0.000084%); highest among the groups gnomAD compares: Non-Finnish European, 0.00011%; no homozygotes.

Submission:

Labcorp Genetics (formerly Invitae), Labcorp
Classification: Uncertain significance for Congenital muscular hypertrophy-cerebral syndrome. Last evaluated: 2025-09-17. Review status: criteria provided, single submitter. Criteria: Invitae Variant Classification Sherloc (09022015). Collection method: clinical testing. Allele origin: germline.
Comment: This sequence change replaces valine, which is neutral and non-polar, with isoleucine, which is neutral and non-polar, at codon 135 of the SMC1A protein (p.Val135Ile). This variant is not present in population databases (gnomAD no frequency). This variant has not been reported in the literature in individuals affected with SMC1A-related conditions. Invitae Evidence Modeling of protein sequence and biophysical properties (such as structural, functional, and spatial information, amino acid conservation, physicochemical variation, residue mobility, and thermodynamic stability) indicates that this missense variant is not expected to disrupt SMC1A protein function with a negative predictive value of 80%. In summary, the available evidence is currently insufficient to determine the role of this variant in disease. Therefore, it has been classified as a Variant of Uncertain Significance.

NM_006306.4(SMC1A):c.403G>A (p.Val135Ile)

Gene: SMC1A (structural maintenance of chromosomes 1A; minus strand). Cytogenetic location: Xp11.22.
Variant type: single nucleotide variant.
Coding change: c.403G>A on transcript NM_006306.4 (MANE Select); coding-DNA position 403, G replaced by A.
Protein change: p.Val135Ile; replaces valine 135 with isoleucine.
Molecular consequence: missense variant.
Genome position (GRCh38, 1-based): chrX:53,414,766, C>T on the plus strand (G>A on the coding strand, the complement: SMC1A is on the minus strand). VCF-style: chrX-53414766-C-T. GRCh37 (hg19) VCF-style: chrX-53441715-C-T.
Other names: c.337G>A, p.Val113Ile (NM_001281463.1); short protein forms V135I, V113I.
Identifiers: ClinVar variation 4750741 (VCV004750741.1).